The following is an entry in ClinVar:

NM_001939.3(DRP2):c.2740G>A (p.Glu914Lys)

Gene: DRP2 (dystrophin related protein 2; plus strand). Cytogenetic location: Xq22.1.
Variant type: single nucleotide variant.
Coding change: c.2740G>A on transcript NM_001939.3 (MANE Select); coding-DNA position 2740, G replaced by A.
Protein change: p.Glu914Lys; replaces glutamic acid 914 with lysine.
Molecular consequence: missense variant.
Genome position (GRCh38, 1-based): chrX:101,260,160, G>A. VCF-style: chrX-101260160-G-A. GRCh37 (hg19) VCF-style: chrX-100515149-G-A.
Other names: c.2506G>A, p.Glu836Lys (NM_001171184.2); c.2740G>A (NM_001939.2); short protein forms E836K, E914K.
Identifiers: ClinVar variation 1445686 (VCV001445686.10), dbSNP rs767235632, ClinGen allele CA10472524.

ClinVar aggregate classification (germline): Uncertain significance. Review status: criteria provided, multiple submitters, no conflicts (2 of 4 stars). 2 submissions from 2 submitters: Uncertain significance (2). Last evaluated 2026-07-13.

Allele frequency attached by ClinVar (database versions not stated): gnomAD exomes 0.00001 and 0.00003; gnomAD 0.00003; ExAC 0.00003; TOPMed 0.00007.
gnomAD v4.1: 39 of 1,209,356 alleles (0.0032%); highest among the groups gnomAD compares: Non-Finnish European, 0.0041%; no homozygotes.

Submissions (2):

Ambry Genetics
Classification: Uncertain significance. Last evaluated: 2026-07-13. Review status: criteria provided, single submitter. Criteria: Ambry Variant Classification Scheme 2023. Collection method: clinical testing. Allele origin: germline.
Comment: The c.2740G>A (p.E914K) alteration is located in exon 23 (coding exon 21) of the DRP2 gene. This alteration results from a G to A substitution at nucleotide position 2740, causing the glutamic acid (E) at amino acid position 914 to be replaced by a lysine (K). Based on data from gnomAD, the A allele has an overall frequency of 0.001% (2/182403) total alleles studied. The highest observed frequency was 0.003% (2/81294) of European (non-Finnish) alleles. Based on insufficient or conflicting evidence, the clinical significance of this alteration remains unclear.

Labcorp Genetics (formerly Invitae), Labcorp
Classification: Uncertain significance. Last evaluated: 2026-01-11. Review status: criteria provided, single submitter. Criteria: Invitae Variant Classification Sherloc (09022015). Collection method: clinical testing. Allele origin: germline.
Comment: This sequence change replaces glutamic acid, which is acidic and polar, with lysine, which is basic and polar, at codon 914 of the DRP2 protein (p.Glu914Lys). This variant is present in population databases (rs767235632, gnomAD 0.004%). This variant has not been reported in the literature in individuals affected with DRP2-related conditions. ClinVar contains an entry for this variant (Variation ID: 1445686). An algorithm developed to predict the effect of missense changes on protein structure and function (PolyPhen-2) suggests that this variant is likely to be tolerated. In summary, the available evidence is currently insufficient to determine the role of this variant in disease. Therefore, it has been classified as a Variant of Uncertain Significance.